The following is an entry in ClinVar:

ClinVar aggregate classification (germline): Uncertain significance. Review status: criteria provided, multiple submitters, no conflicts (2 of 4 stars). 2 submissions from 2 submitters: Uncertain significance (2). Last evaluated 2026-01-04.

Conditions:
Developmental and epileptic encephalopathy, 36 (DEE36). Also called: Epileptic encephalopathy, early infantile, 36; ALG13-CDG; Congenital disorder of glycosylation, type Is. Identifiers: Orphanet 324422, MedGen C4317295, MONDO:0010472, OMIM 300884.

Allele frequency attached by ClinVar (database versions not stated): TOPMed below 0.00001; gnomAD 0.00001; gnomAD exomes 0.00001.
gnomAD v4.1: 13 of 1,209,018 alleles (0.0011%); highest among the groups gnomAD compares: Non-Finnish European, 0.0015%; no homozygotes.

Submissions (2):

Labcorp Genetics (formerly Invitae), Labcorp
Classification: Uncertain significance for Developmental and epileptic encephalopathy, 36. Last evaluated: 2026-01-04. Review status: criteria provided, single submitter. Criteria: Invitae Variant Classification Sherloc (09022015). Collection method: clinical testing. Allele origin: germline.
Comment: This sequence change replaces cysteine, which is neutral and slightly polar, with tyrosine, which is neutral and polar, at codon 855 of the ALG13 protein (p.Cys855Tyr). This variant is present in population databases (no rsID available, gnomAD 0.001%). This variant has not been reported in the literature in individuals affected with ALG13-related conditions. ClinVar contains an entry for this variant (Variation ID: 864540). Invitae Evidence Modeling of protein sequence and biophysical properties (such as structural, functional, and spatial information, amino acid conservation, physicochemical variation, residue mobility, and thermodynamic stability) indicates that this missense variant is not expected to disrupt ALG13 protein function with a negative predictive value of 95%. In summary, the available evidence is currently insufficient to determine the role of this variant in disease. Therefore, it has been classified as a Variant of Uncertain Significance.

GeneDx
Classification: Uncertain significance. Last evaluated: 2020-01-11. Review status: criteria provided, single submitter. Criteria: GeneDx Variant Classification Process June 2021. Collection method: clinical testing. Allele origin: germline. Affected: yes.
Comment: Not observed at a significant frequency in large population cohorts (Lek et al., 2016); In silico analysis, which includes protein predictors and evolutionary conservation, supports a deleterious effect; Has not been previously published as pathogenic or benign to our knowledge

NM_001099922.3(ALG13):c.2564G>A (p.Cys855Tyr)

Gene: ALG13 (ALG13 UDP-N-acetylglucosaminyltransferase subunit; plus strand). Cytogenetic location: Xq23.
Variant type: single nucleotide variant.
Coding change: c.2564G>A on transcript NM_001099922.3 (MANE Select); coding-DNA position 2564, G replaced by A.
Protein change: p.Cys855Tyr; replaces cysteine 855 with tyrosine.
Molecular consequence: missense variant. On other transcripts: non-coding transcript variant (1).
Genome position (GRCh38, 1-based): chrX:111,736,748, G>A. VCF-style: chrX-111736748-G-A. GRCh37 (hg19) VCF-style: chrX-110979976-G-A.
Other names: c.2252G>A, p.Cys751Tyr (NM_001257230.2, NM_001257234.2, NM_001257237.2); c.2330G>A, p.Cys777Tyr (NM_001257231.2); c.2564G>A, p.Cys855Tyr (NM_001324292.2); c.2078G>A, p.Cys693Tyr (NM_001324293.1); short protein forms C693Y, C855Y, C777Y, C751Y.
Identifiers: ClinVar variation 864540 (VCV000864540.9), dbSNP rs1279923204, ClinGen allele CA414254369.
Genomic context (GRCh38, chrX:111,736,748, plus strand): 5'-TTTTGAACTTTCTTCCACACTTACAGATGATGGGAAATATTGCAGCAGTTGCAGCTTCCT[G>A]TGCCAATAATGTTCCAGCTCCAGTCTTATCTAACGGTGCAGCGGCTAATCAAGCTATTAG-3'
Protein context (NP_001093392.1, residues 845-865): MGNIAAVAAS[Cys855Tyr]ANNVPAPVLS